The following is an entry in ClinVar:

ClinVar aggregate classification (germline): Uncertain significance (1 of 4 stars; one submission).

Submission:

Labcorp Genetics (formerly Invitae), Labcorp
Classification: Uncertain significance. Last evaluated: 2023-08-04. Review status: criteria provided, single submitter. Criteria: Invitae Variant Classification Sherloc (09022015). Collection method: clinical testing. Allele origin: unknown.
Comment: In summary, the available evidence is currently insufficient to determine the role of this variant in disease. Therefore, it has been classified as a Variant of Uncertain Significance. This variant has not been reported in the literature in individuals affected with A2ML1-related conditions. This variant is a gross deletion of the genomic region encompassing exon(s) 4 of the A2ML1 gene. This deletion is out-of-frame, and is expected to create a premature translational stop signal and result in an absent or disrupted protein product. However, the current clinical and genetic evidence is not sufficient to establish whether loss-of-function variants in A2ML1 cause disease.

NC_000012.11:g.(?_8982303)_(8982395_?)del

Gene: A2ML1 (alpha-2-macroglobulin like 1; plus strand). Cytogenetic location: 12p13.31.
Variant type: Deletion.
Identifiers: ClinVar variation 3244438 (VCV003244438.1).